The following is an entry in ClinVar:

ClinVar aggregate classification (germline): Pathogenic (0 of 4 stars; one submission).

Conditions:
Alpha-1-antitrypsin deficiency (A1ATD). Also called: AAT deficiency; A1AT deficiency; Alpha1-Antitrypsin Deficiency. Identifiers: Orphanet 60, MedGen C0221757, MONDO:0013282, OMIM 613490.

Submission:

Pôle de Biologie Pathologie Génétique, CHRU LILLE
Classification: Pathogenic for Alpha-1-antitrypsin deficiency. Last evaluated: 2014-07-10. Review status: no assertion criteria provided. Collection method: clinical testing. Allele origin: germline. Inheritance: Codominant. Affected: yes. Observed: 1 variant allele, 1 homozygote.
Comment: alpha1antitrypsin protein and antielastolytic activity in blood sample are undetectable, in accordance with Nonsense-mediated mRNA decay (NMD) mechanism.

NM_000295.5(SERPINA1):c.288_291del (p.His97fs)

Gene: SERPINA1 (serpin family A member 1; minus strand). Cytogenetic location: 14q32.13.
Variant type: Deletion.
Coding change: c.288_291del on transcript NM_000295.5 (MANE Select); coding-DNA positions 288 to 291, 4 bases deleted (TCAC; older notation c.288_291delTCAC).
Protein change: p.His97fs; shifts the reading frame from histidine 97.
Molecular consequence: frameshift variant.
Genome position (GRCh38, 1-based): chr14:94,382,947-94,382,950, GTGA deleted on the plus strand (TCAC on the coding strand, the reverse complement: SERPINA1 is on the minus strand); deleting any 4 consecutive bases within chr14:94,382,947-94,382,953 gives the same sequence; the c. name uses the placement nearest the transcript's 3' end. VCF-style (leftmost placement, unchanged base first): chr14-94382946-CGTGA-C. GRCh37 (hg19) VCF-style: chr14-94849283-CGTGA-C.
Other names: NP_001121173p.His97Metfs*7; c.288_291del, p.His97fs (NM_001002235.3, NM_001002236.3, NM_001127700.2 and 7 more transcripts); short protein forms H97fs.
Identifiers: ClinVar variation 370034 (VCV000370034.3), dbSNP rs1057516212, ClinGen allele CA16040627.
Genomic context (GRCh38, chr14:94,382,946, plus strand): 5'-CATGGATCTGAGCCTCCGGAATCTCCGTGAGGTTGAAATTCAGGCCCTCCAGGATTTCAT[CGTGA>C]GTGTCAGCCTTGGTCCCCAGGGAGAGCATTGCAAAGGCTGTAGCGATGCTCACTGGGGAG-3'